The following is an entry in ClinVar:

ClinVar aggregate classification (germline): Uncertain significance (1 of 4 stars; one submission).

Allele frequency attached by ClinVar (database versions not stated): gnomAD exomes below 0.00001; ExAC 0.00001.

Submission:

CeGaT Center for Human Genetics Tuebingen
Classification: Uncertain significance. Last evaluated: 2024-02-01. Review status: criteria provided, single submitter. Criteria: CeGaT Center For Human Genetics Tuebingen Variant Classification Criteria Version 2. Collection method: clinical testing. Allele origin: germline. Affected: yes. Observed: 1 variant allele.
Comment: TLR4: PM2, BP4

NM_138554.5(TLR4):c.1366C>T (p.His456Tyr)

Gene: TLR4 (toll like receptor 4; plus strand). Cytogenetic location: 9q33.1.
Variant type: single nucleotide variant.
Coding change: c.1366C>T on transcript NM_138554.5 (MANE Select); coding-DNA position 1366, C replaced by T.
Protein change: p.His456Tyr; replaces histidine 456 with tyrosine.
Molecular consequence: missense variant.
Genome position (GRCh38, 1-based): chr9:117,713,494, C>T. VCF-style: chr9-117713494-C-T. GRCh37 (hg19) VCF-style: chr9-120475772-C-T.
Other names: c.1246C>T, p.His416Tyr (NM_003266.4); c.766C>T, p.His256Tyr (NM_138557.3); short protein forms H256Y, H416Y, H456Y.
Identifiers: ClinVar variation 3026025 (VCV003026025.22), dbSNP rs753955195, ClinGen allele CA5212370.